The following is an entry in ClinVar:

ClinVar aggregate classification (germline): Pathogenic. Review status: criteria provided, multiple submitters, no conflicts (2 of 4 stars). 3 submissions from 3 submitters: Pathogenic (3). Last evaluated 2024-07-01.

Conditions:
Usher syndrome type 2A. Also called: RETINAL DISEASE IN USHER SYNDROME TYPE IIA, MODIFIER OF; USHER SYNDROME, TYPE IIA. Identifiers: Orphanet 231178, Orphanet 886, MedGen C1848634, MONDO:0010169, OMIM 276901.
Retinitis pigmentosa 39 (RP39). Identifiers: Orphanet 791, MedGen C3151138, MONDO:0013436, OMIM 613809.

Allele frequency attached by ClinVar (database versions not stated): gnomAD exomes 0.00001.
gnomAD v4.1: 17 of 1,613,240 alleles (0.0011%); highest among the groups gnomAD compares: Non-Finnish European, 0.0014%; no homozygotes.

Submissions (3):

Natera, Inc.
Classification: Pathogenic for Usher syndrome type 2A. Last evaluated: 2024-07-01. Review status: criteria provided, single submitter. Criteria: Natera Variant Classification Schema (03/2026). Collection method: clinical testing. Allele origin: germline.
Comment: The c.8231G>A variant in USH2A is a nonsense variant predicted to introduce a stop codon at amino acid 2744. This variant is expected to result in nonsense mediated decay, truncation, or a dysfunctional protein product. This variant is rare in the general population with a frequency below the threshold expected for the associated phenotype(s). This variant has been observed in one or more individuals affected with the associated recessive disease, as either homozygous or compound heterozygous with a second variant (PMID: 34948090, 22135276). Given the available evidence, this variant is classified as Pathogenic.

Baylor Genetics
Classification: Pathogenic for Retinitis pigmentosa 39. Last evaluated: 2024-01-29. Review status: criteria provided, single submitter. Criteria: ACMG Guidelines, 2015. Collection method: clinical testing. Allele origin: unknown.

Labcorp Genetics (formerly Invitae), Labcorp
Classification: Pathogenic. Last evaluated: 2022-10-31. Review status: criteria provided, single submitter. Criteria: Invitae Variant Classification Sherloc (09022015). Collection method: clinical testing. Allele origin: germline.
Comment: Algorithms developed to predict the effect of sequence changes on RNA splicing suggest that this variant may disrupt the consensus splice site. ClinVar contains an entry for this variant (Variation ID: 835276). This premature translational stop signal has been observed in individual(s) with Usher syndrome (PMID: 22135276). This variant is not present in population databases (gnomAD no frequency). This sequence change creates a premature translational stop signal (p.Trp2744*) in the USH2A gene. It is expected to result in an absent or disrupted protein product. Loss-of-function variants in USH2A are known to be pathogenic (PMID: 10729113, 10909849, 20507924, 25649381). For these reasons, this variant has been classified as Pathogenic.

Literature cited by the submitters: PubMed 34948090 (cited by Natera, Inc.); PubMed 22135276 (cited by Natera, Inc. and Labcorp Genetics (formerly Invitae), Labcorp); PubMed 10729113 (cited by Labcorp Genetics (formerly Invitae), Labcorp); PubMed 10909849 (cited by Labcorp Genetics (formerly Invitae), Labcorp); PubMed 20507924 (cited by Labcorp Genetics (formerly Invitae), Labcorp); PubMed 25649381 (cited by Labcorp Genetics (formerly Invitae), Labcorp).

NM_206933.4(USH2A):c.8231G>A (p.Trp2744Ter)

Gene: USH2A (usherin; minus strand). Cytogenetic location: 1q41.
Variant type: single nucleotide variant.
Coding change: c.8231G>A on transcript NM_206933.4 (MANE Select); coding-DNA position 8231, G replaced by A.
Protein change: p.Trp2744Ter; replaces tryptophan 2744 with a stop codon.
Molecular consequence: nonsense.
Genome position (GRCh38, 1-based): chr1:215,879,091, C>T on the plus strand (G>A on the coding strand, the complement: USH2A is on the minus strand). VCF-style: chr1-215879091-C-T. GRCh37 (hg19) VCF-style: chr1-216052433-C-T.
Other names: short protein forms W2744*.
Identifiers: ClinVar variation 835276 (VCV000835276.11), dbSNP rs1664846292, ClinGen allele CA344832792.
Genomic context (GRCh38, chr1:215,879,091, plus strand): 5'-GGGTCAGGCATGTGAATCTCATAGCTAAGTATGTCTCCGTTCTGGATGAGTGGGGGTTTC[C>T]AAGTGACCTGAAATGAAAGATAAACTTAGAATCAGTGTGACGATACAGGAATAGAGCAAT-3'